The following is an entry in ClinVar:

NM_004963.4(GUCY2C):c.1970T>A (p.Ile657Asn)

Gene: GUCY2C (guanylate cyclase 2C; minus strand). Cytogenetic location: 12p12.3.
Variant type: single nucleotide variant.
Coding change: c.1970T>A on transcript NM_004963.4 (MANE Select); coding-DNA position 1970, T replaced by A.
Protein change: p.Ile657Asn; replaces isoleucine 657 with asparagine.
Molecular consequence: missense variant.
Genome position (GRCh38, 1-based): chr12:14,641,180, A>T on the plus strand (T>A on the coding strand, the complement: GUCY2C is on the minus strand). VCF-style: chr12-14641180-A-T. GRCh37 (hg19) VCF-style: chr12-14794114-A-T.
Other names: short protein forms I657N.
Identifiers: ClinVar variation 1945290 (VCV001945290.5), dbSNP rs1327358608, ClinGen allele CA383984137.
Genomic context (GRCh38, chr12:14,641,180, plus strand): 5'-TTCCGCAGGATGATCTCCTGTGCGATGATCCCATAGCTGTACACATCTCCTTTCTGAGAG[A>T]TGTTGGCTTGGCGGAGGTGCTCTGGAGCTGTCCACAGGTCTGTAAATGTAGACATTGAGA-3'
Protein context (NP_004954.2, residues 647-667): TAPEHLRQAN[Ile657Asn]SQKGDVYSYG

ClinVar aggregate classification (germline): Uncertain significance (1 of 4 stars; one submission).

Allele frequency attached by ClinVar (database versions not stated): TOPMed below 0.00001; gnomAD 0.00001; gnomAD exomes 0.00001.
gnomAD v4.1: 9 of 1,613,570 alleles (0.00056%); highest among the groups gnomAD compares: Non-Finnish European, 0.00076%; no homozygotes.

Submission:

Labcorp Genetics (formerly Invitae), Labcorp
Classification: Uncertain significance. Last evaluated: 2025-06-05. Review status: criteria provided, single submitter. Criteria: Invitae Variant Classification Sherloc (09022015). Collection method: clinical testing. Allele origin: germline.
Comment: This sequence change replaces isoleucine, which is neutral and non-polar, with asparagine, which is neutral and polar, at codon 657 of the GUCY2C protein (p.Ile657Asn). This variant is present in population databases (no rsID available, gnomAD 0.002%). This variant has not been reported in the literature in individuals affected with GUCY2C-related conditions. ClinVar contains an entry for this variant (Variation ID: 1945290). Invitae Evidence Modeling of protein sequence and biophysical properties (such as structural, functional, and spatial information, amino acid conservation, physicochemical variation, residue mobility, and thermodynamic stability) indicates that this missense variant is not expected to disrupt GUCY2C protein function with a negative predictive value of 80%. In summary, the available evidence is currently insufficient to determine the role of this variant in disease. Therefore, it has been classified as a Variant of Uncertain Significance.